The following is an entry in ClinVar:

ClinVar aggregate classification (germline): Uncertain significance (1 of 4 stars; one submission).

gnomAD v4.1: 4 of 1,614,054 alleles (0.00025%); highest among the groups gnomAD compares: Non-Finnish European, 0.00034%; no homozygotes.

Submission:

Ambry Genetics
Classification: Uncertain significance. Last evaluated: 2025-04-13. Review status: criteria provided, single submitter. Criteria: Ambry Variant Classification Scheme 2023. Collection method: clinical testing. Allele origin: germline.
Comment: The p.V546A variant (also known as c.1637T>C), located in coding exon 14 of the A2ML1 gene, results from a T to C substitution at nucleotide position 1637. The valine at codon 546 is replaced by alanine, an amino acid with similar properties. This amino acid position is conserved. In addition, this alteration is predicted to be tolerated by in silico analysis. Based on the available evidence, the clinical significance of this variant remains unclear.

NM_144670.6(A2ML1):c.1637T>C (p.Val546Ala)

Gene: A2ML1 (alpha-2-macroglobulin like 1; plus strand). Cytogenetic location: 12p13.31.
Variant type: single nucleotide variant.
Coding change: c.1637T>C on transcript NM_144670.6 (MANE Select); coding-DNA position 1637, T replaced by C.
Protein change: p.Val546Ala; replaces valine 546 with alanine.
Molecular consequence: missense variant.
Genome position (GRCh38, 1-based): chr12:8,846,176, T>C. VCF-style: chr12-8846176-T-C. GRCh37 (hg19) VCF-style: chr12-8998772-T-C.
Other names: c.164T>C, p.Val55Ala (NM_001282424.3); short protein forms V546A, V55A.
Identifiers: ClinVar variation 4052235 (VCV004052235.1).